The following is an entry in ClinVar:

ClinVar aggregate classification (germline): Likely benign (1 of 4 stars; one submission).

Submission:

CeGaT Center for Human Genetics Tuebingen
Classification: Likely benign. Last evaluated: 2023-05-01. Review status: criteria provided, single submitter. Criteria: CeGaT Center For Human Genetics Tuebingen Variant Classification Criteria Version 2. Collection method: clinical testing. Allele origin: germline. Affected: yes. Observed: 1 variant allele.
Comment: SCYGR1: BS2

NM_001395402.1(SCYGR1):c.45_47del (p.Gly18del)

Gene: SCYGR1 (small cysteine and glycine repeat containing 1; minus strand). Cytogenetic location: 2q36.3.
Variant type: Deletion.
Coding change: c.45_47del on transcript NM_001395402.1 (MANE Select); coding-DNA positions 45 to 47, 3 bases deleted (CGG; older notation c.45_47delCGG).
Protein change: p.Gly18del; deletes glycine 18.
Molecular consequence: inframe deletion.
Genome position (GRCh38, 1-based): chr2:227,387,903-227,387,905, CCG deleted on the plus strand (CGG on the coding strand, the reverse complement: SCYGR1 is on the minus strand); deleting any 3 consecutive bases within chr2:227,387,903-227,387,906 gives the same sequence; the c. name uses the placement nearest the transcript's 3' end. VCF-style (leftmost placement, unchanged base first): chr2-227387902-ACCG-A. GRCh37 (hg19) VCF-style: chr2-228252618-ACCG-A.
Other names: short protein forms G18del.
Identifiers: ClinVar variation 2651959 (VCV002651959.24), dbSNP rs145942371, ClinGen allele CA66637187.
Genomic context (GRCh38, chr2:227,387,902, plus strand): 5'-GCAGCCCACCCGGTAGCACCTGCAGGTGGTGCATCTGCCACAGCCACCACCACAGCCACC[ACCG>A]CAGCCACCACAGCCACCACAACCTCCACAACCACAGCAACCCATGGTGTCAGTAGAGAGG-3'